The following is an entry in ClinVar:

NM_006922.4(SCN3A):c.5357G>A (p.Ser1786Asn)

Gene: SCN3A (sodium voltage-gated channel alpha subunit 3; minus strand). Cytogenetic location: 2q24.3.
Variant type: single nucleotide variant.
Coding change: c.5357G>A on transcript NM_006922.4 (MANE Select); coding-DNA position 5357, G replaced by A.
Protein change: p.Ser1786Asn; replaces serine 1786 with asparagine.
Molecular consequence: missense variant.
Genome position (GRCh38, 1-based): chr2:165,090,796, C>T on the plus strand (G>A on the coding strand, the complement: SCN3A is on the minus strand). VCF-style: chr2-165090796-C-T. GRCh37 (hg19) VCF-style: chr2-165947306-C-T.
Other names: c.5210G>A, p.Ser1737Asn (NM_001081676.2, NM_001081677.2); short protein forms S1786N, S1737N.
Identifiers: ClinVar variation 2778281 (VCV002778281.3), dbSNP rs1470070410, ClinGen allele CA349015604.

ClinVar aggregate classification (germline): Uncertain significance (1 of 4 stars; one submission).

Allele frequency attached by ClinVar (database versions not stated): TOPMed below 0.00001.

Submission:

Labcorp Genetics (formerly Invitae), Labcorp
Classification: Uncertain significance. Last evaluated: 2023-09-06. Review status: criteria provided, single submitter. Criteria: Invitae Variant Classification Sherloc (09022015). Collection method: clinical testing. Allele origin: germline.
Comment: In summary, the available evidence is currently insufficient to determine the role of this variant in disease. Therefore, it has been classified as a Variant of Uncertain Significance. Advanced modeling of protein sequence and biophysical properties (such as structural, functional, and spatial information, amino acid conservation, physicochemical variation, residue mobility, and thermodynamic stability) has been performed at Invitae for this missense variant, however the output from this modeling did not meet the statistical confidence thresholds required to predict the impact of this variant on SCN3A protein function. This variant has not been reported in the literature in individuals affected with SCN3A-related conditions. This variant is present in population databases (no rsID available, gnomAD 0.007%). This sequence change replaces serine, which is neutral and polar, with asparagine, which is neutral and polar, at codon 1786 of the SCN3A protein (p.Ser1786Asn).